The following is an entry in ClinVar:

ClinVar aggregate classification (germline): Conflicting classifications of pathogenicity. Review status: criteria provided, conflicting classifications (1 of 4 stars). 3 submissions from 3 submitters: Pathogenic (2); Uncertain significance (1). Last evaluated 2024-12-03.

Conditions:
Hereditary pancreatitis (PCTT). Also called: Hereditary chronic pancreatitis; PRSS1-Related Hereditary Pancreatitis. Identifiers: Orphanet 676, MedGen C0238339, MONDO:0008185, OMIM 167800.

Submissions (3):

Ambry Genetics
Classification: Pathogenic for Hereditary pancreatitis. Last evaluated: 2024-12-03. Review status: criteria provided, single submitter. Criteria: Ambry Variant Classification Scheme 2023. Collection method: clinical testing. Allele origin: germline.
Comment: The c.308delG pathogenic mutation, located in coding exon 4 of the CTRC gene, results from a deletion of one nucleotide at nucleotide position 308, causing a translational frameshift with a predicted alternate stop codon (p.G103Vfs*31). This variant was detected in an individual with hereditary chronic pancreatitis; it was not detected in individuals with idiopathic chronic pancreatitis or unaffected controls from the same study (Rosendahl J et al. Nat Genet, 2008 Jan;40:78-82). In addition to the clinical data presented in the literature, this alteration is expected to result in loss of function by premature protein truncation or nonsense-mediated mRNA decay. As such, this alteration is interpreted as a disease-causing mutation.

Labcorp Genetics (formerly Invitae), Labcorp
Classification: Uncertain significance for Hereditary pancreatitis. Last evaluated: 2022-05-03. Review status: criteria provided, single submitter. Criteria: Invitae Variant Classification Sherloc (09022015). Collection method: clinical testing. Allele origin: germline.
Comment: This variant is present in population databases (rs773119534, gnomAD 0.008%). In summary, the available evidence is currently insufficient to determine the role of this variant in disease. Therefore, it has been classified as a Variant of Uncertain Significance. Algorithms developed to predict the effect of sequence changes on RNA splicing suggest that this variant may create or strengthen a splice site. ClinVar contains an entry for this variant (Variation ID: 618049). This premature translational stop signal has been observed in individual(s) with hereditary pancreatitis (PMID: 18059268, 28502372). This sequence change creates a premature translational stop signal (p.Gly103Valfs*31) in the CTRC gene. It is expected to result in an absent or disrupted protein product. However, the current clinical and genetic evidence is not sufficient to establish whether loss-of-function variants in CTRC cause disease.

ARUP Laboratories, Molecular Genetics and Genomics, ARUP Laboratories
Classification: Pathogenic. Last evaluated: 2017-09-26. Review status: criteria provided, single submitter. Criteria: ARUP Molecular Germline Variant Investigation Process. Collection method: clinical testing. Allele origin: germline.
Comment: The CTRC c.308delG; p.Gly103fs variant (rs773119534) has been reported in a patient with hereditary chronic pancreatitis (Rosendahl 2008) and is only observed on two alleles in the Genome Aggregation Database. This variant introduces a frameshift by deleting a single nucleotide, so it is predicted to result in a truncated protein or mRNA subject to nonsense-mediated decay. Based on available information, this variant is considered pathogenic. REFERENCES Rosendahl J et al. Chymotrypsin C (CTRC) variants that diminish activity or secretion are associated with chronic pancreatitis. Nat Genet. 2008; 40(1):78-82.

Literature cited by the submitters: PubMed 18059268 (cited by Ambry Genetics and Labcorp Genetics (formerly Invitae), Labcorp); PubMed 28502372 (cited by Labcorp Genetics (formerly Invitae), Labcorp).

NM_007272.3(CTRC):c.308del (p.Gly103fs)

Gene: CTRC (chymotrypsin C; plus strand). Cytogenetic location: 1p36.21.
Variant type: Deletion.
Coding change: c.308del on transcript NM_007272.3 (MANE Select); coding-DNA position 308, one base deleted (G; older notation c.308delG).
Protein change: p.Gly103fs; shifts the reading frame from glycine 103.
Molecular consequence: frameshift variant.
Genome position (GRCh38, 1-based): chr1:15,442,524, G deleted; the last of 3 consecutive G bases (chr1:15,442,522-15,442,524); deleting any one gives the same sequence. VCF-style (leftmost placement, unchanged base first): chr1-15442521-TG-T. GRCh37 (hg19) VCF-style: chr1-15769017-TG-T.
Other names: short protein forms G103fs.
Identifiers: ClinVar variation 618049 (VCV000618049.18), dbSNP rs773119534, ClinGen allele CA613311.